The following is an entry in ClinVar:

NM_014336.5(AIPL1):c.1030G>C (p.Ala344Pro)

Gene: AIPL1 (AIP like 1 HSP90 co-chaperone; minus strand). Cytogenetic location: 17p13.2.
Variant type: single nucleotide variant.
Coding change: c.1030G>C on transcript NM_014336.5 (MANE Select); coding-DNA position 1030, G replaced by C.
Protein change: p.Ala344Pro; replaces alanine 344 with proline.
Molecular consequence: missense variant. On other transcripts: 3 prime UTR variant (1).
Genome position (GRCh38, 1-based): chr17:6,425,585, C>G on the plus strand (G>C on the coding strand, the complement: AIPL1 is on the minus strand). VCF-style: chr17-6425585-C-G. GRCh37 (hg19) VCF-style: chr17-6328905-C-G.
Other names: c.841G>C, p.Ala281Pro (NM_001033054.3); c.850G>C, p.Ala284Pro (NM_001033055.3); c.994G>C, p.Ala332Pro (NM_001285399.3); c.964G>C, p.Ala322Pro (NM_001285400.3); c.958G>C, p.Ala320Pro (NM_001285401.3); c.913G>C, p.Ala305Pro (NM_001285402.2); c.*1001G>C (NM_001285403.4); short protein forms A284P, A305P, A322P, A281P, A320P, A332P, A344P.
Identifiers: ClinVar variation 846931 (VCV000846931.7), dbSNP rs757121467, ClinGen allele CA397394399.

ClinVar aggregate classification (germline): Uncertain significance (1 of 4 stars; one submission).

Conditions:
Leber congenital amaurosis 4 (LCA4). Identifiers: MedGen C1858386, MONDO:0011458, OMIM 604393.

Submission:

Labcorp Genetics (formerly Invitae), Labcorp
Classification: Uncertain significance for Leber congenital amaurosis 4. Last evaluated: 2021-10-20. Review status: criteria provided, single submitter. Criteria: Invitae Variant Classification Sherloc (09022015). Collection method: clinical testing. Allele origin: germline.
Comment: Algorithms developed to predict the effect of missense changes on protein structure and function are either unavailable or do not agree on the potential impact of this missense change (SIFT: "Tolerated"; PolyPhen-2: "Not Available"; Align-GVGD: "Class C0"). This sequence change replaces alanine with proline at codon 344 of the AIPL1 protein (p.Ala344Pro). The alanine residue is weakly conserved and there is a small physicochemical difference between alanine and proline. This variant is not present in population databases (ExAC no frequency). This variant has not been reported in the literature in individuals affected with AIPL1-related conditions. In summary, the available evidence is currently insufficient to determine the role of this variant in disease. Therefore, it has been classified as a Variant of Uncertain Significance.